The following is an entry in ClinVar:

NM_016252.4(BIRC6):c.13821T>C (p.Asp4607=)

Gene: BIRC6 (baculoviral IAP repeat containing 6; plus strand). Cytogenetic location: 2p22.3.
Variant type: single nucleotide variant.
Coding change: c.13821T>C on transcript NM_016252.4 (MANE Select); coding-DNA position 13821, T replaced by C.
Protein change: p.Asp4607=; no amino-acid change (aspartic acid 4607 retained).
Molecular consequence: synonymous variant.
Genome position (GRCh38, 1-based): chr2:32,597,959, T>C. VCF-style: chr2-32597959-T-C. GRCh37 (hg19) VCF-style: chr2-32823026-T-C.
Other names: c.13818T>C, p.Asp4606= (NM_001378125.1).
Identifiers: ClinVar variation 715560 (VCV000715560.7), dbSNP rs35521138, ClinGen allele CA1605623.
Genomic context (GRCh38, chr2:32,597,959, plus strand): 5'-CTCACTGCCTCTGTCTTCATCCTCTAGTGTGTTTGTACGCTGTGATGAGGAGCGACTTGA[T>C]ATCATGAAGGTAAAAAATAATGATAATAAAGCACTCTCCCTTATCTCCTTGGCTCATCTA-3'
Protein context (NP_057336.3, residues 4597-4617): VFVRCDEERL[Asp4607=]IMKVLITGPA

ClinVar aggregate classification (germline): Benign. Review status: criteria provided, multiple submitters, no conflicts (2 of 4 stars). 3 submissions from 3 submitters: Benign (2). 1 of the submissions does not count toward it. Last evaluated 2019-12-31.

Conditions:
BIRC6-related disorder. Also called: BIRC6-related condition.

Allele frequency attached by ClinVar (database versions not stated): gnomAD exomes 0.00041 and 0.00122; ExAC 0.00175; 1000 Genomes Project 0.00459; gnomAD 0.00507 and 0.00542; TOPMed 0.00540; 1000 Genomes Project 30x 0.00547; ESP Exome Variant Server 0.00638.
gnomAD v4.1: 1,375 of 1,610,566 alleles (0.085%); highest among the groups gnomAD compares: African/African-American, 1.7%; 18 homozygotes.

Submissions (3):

Labcorp Genetics (formerly Invitae), Labcorp
Classification: Benign. Last evaluated: 2019-12-31. Review status: criteria provided, single submitter. Criteria: Invitae Variant Classification Sherloc (09022015). Collection method: clinical testing. Allele origin: germline.

Breakthrough Genomics
Classification: Benign. Review status: criteria provided, single submitter. Criteria: ACMG Guidelines, 2015. Collection method: not provided. Allele origin: germline. Inheritance: Unknown mechanism. Affected: yes.

PreventionGenetics, part of Exact Sciences
Classification: Benign for BIRC6-related condition. Last evaluated: 2019-04-11. Review status: no assertion criteria provided. Collection method: clinical testing. Allele origin: germline. Not counted in ClinVar's aggregate classification.
Comment: This variant is classified as benign based on ACMG/AMP sequence variant interpretation guidelines (Richards et al. 2015 PMID: 25741868, with internal and published modifications).